The following is an entry in ClinVar:

NM_014727.3(KMT2B):c.1289C>G (p.Pro430Arg)

Gene: KMT2B (lysine methyltransferase 2B; plus strand). Cytogenetic location: 19q13.12.
Variant type: single nucleotide variant.
Coding change: c.1289C>G on transcript NM_014727.3 (MANE Select); coding-DNA position 1289, C replaced by G.
Protein change: p.Pro430Arg; replaces proline 430 with arginine.
Molecular consequence: missense variant.
Genome position (GRCh38, 1-based): chr19:35,720,636, C>G. VCF-style: chr19-35720636-C-G. GRCh37 (hg19) VCF-style: chr19-36211538-C-G.
Other names: short protein forms P430R.
Identifiers: ClinVar variation 3250999 (VCV003250999.18), dbSNP rs1969153069.

ClinVar aggregate classification (germline): Uncertain significance (1 of 4 stars; one submission).

Submission:

CeGaT Center for Human Genetics Tuebingen
Classification: Uncertain significance. Last evaluated: 2024-06-01. Review status: criteria provided, single submitter. Criteria: CeGaT Center For Human Genetics Tuebingen Variant Classification Criteria Version 2. Collection method: clinical testing. Allele origin: germline. Affected: yes. Observed: 1 variant allele.
Comment: KMT2B: PM2